The following is an entry in ClinVar:

ClinVar aggregate classification (germline): Pathogenic. Review status: criteria provided, multiple submitters, no conflicts (2 of 4 stars). 3 submissions from 3 submitters: Pathogenic (3). Last evaluated 2024-01-19.

Conditions:
Hereditary cancer-predisposing syndrome. Also called: Hereditary neoplastic syndrome; Tumor predisposition; Hereditary Cancer Syndrome; Neoplastic Syndromes, Hereditary. Identifiers: Orphanet 140162, MedGen C0027672, MeSH D009386, MONDO:0015356.
Familial cancer of breast. Also called: hereditary breast carcinoma; BREAST CANCER, FAMILIAL; Hereditary breast cancer. Identifiers: Orphanet 227535, MedGen C0346153, MONDO:0016419, OMIM 114480. Disease mechanism: loss of function.
Ataxia-telangiectasia syndrome (AT). Also called: Cerebello-oculocutaneous telangiectasia; Immunodeficiency with ataxia telangiectasia; Ataxia telangiectasia (A-T); Ataxia-telangiectasia, complementation group E; LOUIS-BAR SYNDROME; Ataxia-telangiectasia. Identifiers: Orphanet 100, MedGen C0004135, MONDO:0008840, OMIM 208900.

Submissions (3):

Myriad Genetics, Inc.
Classification: Pathogenic for Familial cancer of breast. Last evaluated: 2024-01-19. Review status: criteria provided, single submitter. Criteria: Myriad Autosomal Dominant, Autosomal Recessive and X-Linked Classification Criteria (2023). Collection method: clinical testing. Allele origin: unknown.
Comment: This variant is considered pathogenic. This variant creates a frameshift predicted to result in premature protein truncation.

Labcorp Genetics (formerly Invitae), Labcorp
Classification: Pathogenic for Ataxia-telangiectasia syndrome. Last evaluated: 2023-03-16. Review status: criteria provided, single submitter. Criteria: Invitae Variant Classification Sherloc (09022015). Collection method: clinical testing. Allele origin: germline.
Comment: This variant is not present in population databases (gnomAD no frequency). This variant has not been reported in the literature in individuals affected with ATM-related conditions. ClinVar contains an entry for this variant (Variation ID: 575083). For these reasons, this variant has been classified as Pathogenic. This sequence change creates a premature translational stop signal (p.Met1087Ilefs*22) in the ATM gene. It is expected to result in an absent or disrupted protein product. Loss-of-function variants in ATM are known to be pathogenic (PMID: 23807571, 25614872).

Color Diagnostics, LLC DBA Color Health
Classification: Pathogenic for Hereditary cancer-predisposing syndrome. Last evaluated: 2020-01-15. Review status: criteria provided, single submitter. Criteria: ACMG Guidelines, 2015. Collection method: clinical testing. Allele origin: germline.
Comment: This variant deletes 1 nucleotide in exon 22 of the ATM gene, creating a frameshift and premature translation stop signal. This variant is expected to result in an absent or non-functional protein product. This variant has not been identified in the general population by the Genome Aggregation Database (gnomAD). Loss of ATM function is a known mechanism of disease. Based on the available evidence, this variant is classified as Pathogenic.

Literature cited by the submitters: PubMed 23807571 (cited by Labcorp Genetics (formerly Invitae), Labcorp); PubMed 25614872 (cited by Labcorp Genetics (formerly Invitae), Labcorp).

NM_000051.4(ATM):c.3261del (p.Met1087fs)

Gene: ATM (ATM serine/threonine kinase; plus strand). Cytogenetic location: 11q22.3.
Variant type: Deletion.
Coding change: c.3261del on transcript NM_000051.4 (MANE Select); coding-DNA position 3261, one base deleted (G; older notation c.3261delG).
Protein change: p.Met1087fs; shifts the reading frame from methionine 1087.
Molecular consequence: frameshift variant.
Genome position (GRCh38, 1-based): chr11:108,272,829, G deleted. VCF-style (leftmost placement, unchanged base first): chr11-108272828-TG-T. GRCh37 (hg19) VCF-style: chr11-108143555-TG-T.
Other names: c.3261del, p.Met1087fs (NM_001351834.2); c.3261delG (NM_000051.3); short protein forms M1087fs.
Identifiers: ClinVar variation 575083 (VCV000575083.11), dbSNP rs1565429054, ClinGen allele CA891842965.